The following is an entry in ClinVar:

ClinVar aggregate classification (germline): Benign. Review status: criteria provided, multiple submitters, no conflicts (2 of 4 stars). 2 submissions from 2 submitters: Benign (2). Last evaluated 2018-01-12.

Conditions:
Palmoplantar keratoderma-esophageal carcinoma syndrome (TOC). Also called: KERATOSIS PALMARIS ET PLANTARIS WITH ESOPHAGEAL CANCER; PALMOPLANTAR KERATODERMA WITH ESOPHAGEAL CANCER; Tylosis with Esophageal Cancer. Identifiers: Orphanet 2198, MedGen C1835664, MONDO:0007856, OMIM 148500.

Allele frequency attached by ClinVar (database versions not stated): 1000 Genomes Project 30x 0.00265; 1000 Genomes Project 0.00319; gnomAD 0.00300 and 0.00285; TOPMed 0.00292.

Submissions (2):

Illumina Laboratory Services, Illumina
Classification: Benign for Palmoplantar keratoderma-esophageal carcinoma syndrome. Last evaluated: 2018-01-12. Review status: criteria provided, single submitter. Criteria: ICSL Variant Classification Criteria 13 December 2019. Collection method: clinical testing. Allele origin: germline.
Comment: This variant was observed in the ICSL laboratory as part of a predisposition screen in an ostensibly healthy population. It had not been previously curated by ICSL or reported in the Human Gene Mutation Database (HGMD: prior to June 1st, 2018), and was therefore a candidate for classification through an automated scoring system. Utilizing variant allele frequency, disease prevalence and penetrance estimates, and inheritance mode, an automated score was calculated to assess if this variant is too frequent to cause the disease. Based on the score and internal cut-off values, a variant classified as benign is not then subjected to further curation. The score for this variant resulted in a classification of benign for this disease.

Breakthrough Genomics
Classification: Benign. Review status: criteria provided, single submitter. Criteria: ACMG Guidelines, 2015. Collection method: not provided. Allele origin: germline. Inheritance: Autosomal dominant inheritance. Affected: yes.

NM_001005498.4(RHBDF2):c.*711A>G

Gene: RHBDF2 (rhomboid 5 homolog 2; minus strand). Cytogenetic location: 17q25.1.
Variant type: single nucleotide variant.
Coding change: c.*711A>G on transcript NM_001005498.4 (MANE Select); 711 bases downstream of the stop codon, A replaced by G.
Molecular consequence: 3 prime UTR variant. On other transcripts: non-coding transcript variant (3).
Genome position (GRCh38, 1-based): chr17:76,470,922, T>C on the plus strand (A>G on the coding strand, the complement: RHBDF2 is on the minus strand). VCF-style: chr17-76470922-T-C. GRCh37 (hg19) VCF-style: chr17-74467004-T-C.
Other names: c.*711A>G (NM_001376228.1, NM_001376229.1, NM_001376230.1 and 1 more transcripts).
Identifiers: ClinVar variation 325398 (VCV000325398.6), dbSNP rs137910466, ClinGen allele CA10651051.